The following is an entry in ClinVar:

ClinVar aggregate classification (germline): Uncertain significance. Review status: criteria provided, multiple submitters, no conflicts (2 of 4 stars). 3 submissions from 3 submitters: Uncertain significance (3). Last evaluated 2024-02-07.

Conditions:
Hereditary cancer-predisposing syndrome. Also called: Neoplastic Syndromes, Hereditary; Tumor predisposition; Hereditary Cancer Syndrome; Hereditary neoplastic syndrome. Identifiers: Orphanet 140162, MedGen C0027672, MeSH D009386, MONDO:0015356.
Nijmegen breakage syndrome-like disorder (NBSLD). Also called: MICROCEPHALY AND SPONTANEOUS CHROMOSOME INSTABILITY WITHOUT IMMUNODEFICIENCY; NBS-LIKE DISORDER; RAD50 DEFICIENCY. Identifiers: Orphanet 240760, MedGen C2751318, MONDO:0013118, OMIM 613078.

gnomAD v4.1: 1 of 1,607,788 alleles (0.000062%); highest among the groups gnomAD compares: Non-Finnish European, 0.000085%; no homozygotes.

Submissions (3):

Baylor Genetics
Classification: Uncertain significance for Nijmegen breakage syndrome-like disorder. Last evaluated: 2024-02-07. Review status: criteria provided, single submitter. Criteria: ACMG Guidelines, 2015. Collection method: clinical testing. Allele origin: unknown.

Labcorp Genetics (formerly Invitae), Labcorp
Classification: Uncertain significance for Hereditary cancer-predisposing syndrome. Last evaluated: 2023-03-22. Review status: criteria provided, single submitter. Criteria: Invitae Variant Classification Sherloc (09022015). Collection method: clinical testing. Allele origin: germline.
Comment: Advanced modeling of protein sequence and biophysical properties (such as structural, functional, and spatial information, amino acid conservation, physicochemical variation, residue mobility, and thermodynamic stability) performed at Invitae indicates that this missense variant is expected to disrupt RAD50 protein function. This sequence change replaces cysteine, which is neutral and slightly polar, with tyrosine, which is neutral and polar, at codon 53 of the RAD50 protein (p.Cys53Tyr). This variant is not present in population databases (gnomAD no frequency). This variant has not been reported in the literature in individuals affected with RAD50-related conditions. ClinVar contains an entry for this variant (Variation ID: 482080). In summary, the available evidence is currently insufficient to determine the role of this variant in disease. Therefore, it has been classified as a Variant of Uncertain Significance.

Ambry Genetics
Classification: Uncertain significance for Hereditary cancer-predisposing syndrome. Last evaluated: 2022-01-03. Review status: criteria provided, single submitter. Criteria: Ambry Variant Classification Scheme 2023. Collection method: clinical testing. Allele origin: germline.
Comment: The p.C53Y variant (also known as c.158G>A), located in coding exon 2 of the RAD50 gene, results from a G to A substitution at nucleotide position 158. The cysteine at codon 53 is replaced by tyrosine, an amino acid with highly dissimilar properties. This amino acid position is not well conserved in available vertebrate species. In addition, this alteration is predicted to be tolerated by in silico analysis. Since supporting evidence is limited at this time, the clinical significance of this alteration remains unclear.

NM_005732.4(RAD50):c.158G>A (p.Cys53Tyr)

Gene: RAD50 (RAD50 double strand break repair protein; plus strand). Cytogenetic location: 5q31.1.
Variant type: single nucleotide variant.
Coding change: c.158G>A on transcript NM_005732.4 (MANE Select); coding-DNA position 158, G replaced by A.
Protein change: p.Cys53Tyr; replaces cysteine 53 with tyrosine.
Molecular consequence: missense variant.
Genome position (GRCh38, 1-based): chr5:132,559,312, G>A. VCF-style: chr5-132559312-G-A. GRCh37 (hg19) VCF-style: chr5-131895004-G-A.
Other names: short protein forms C53Y.
Identifiers: ClinVar variation 482080 (VCV000482080.14), dbSNP rs876660673, ClinGen allele CA360953371.